The following is an entry in ClinVar:

NM_002187.3(IL12B):c.*520C>T

Gene: IL12B (interleukin 12B; minus strand). Cytogenetic location: 5q33.3.
Variant type: single nucleotide variant.
Coding change: c.*520C>T on transcript NM_002187.3 (MANE Select); 520 bases downstream of the stop codon, C replaced by T.
Molecular consequence: 3 prime UTR variant.
Genome position (GRCh38, 1-based): chr5:159,315,581, G>A on the plus strand (C>T on the coding strand, the complement: IL12B is on the minus strand). VCF-style: chr5-159315581-G-A. GRCh37 (hg19) VCF-style: chr5-158742589-G-A.
Identifiers: ClinVar variation 352563 (VCV000352563.5), dbSNP rs3213114, ClinGen allele CA10621148.

ClinVar aggregate classification (germline): Likely benign (1 of 4 stars; one submission).

Conditions:
Mendelian susceptibility to mycobacterial diseases due to complete IL12B deficiency. Also called: IL12B DEFICIENCY; Immunodeficiency 29. Identifiers: Orphanet 319558, MedGen C4013948, MONDO:0013954, OMIM 614890.

Allele frequency attached by ClinVar (database versions not stated): 1000 Genomes Project 0.00080; 1000 Genomes Project 30x 0.00141; gnomAD 0.00165 and 0.00173; TOPMed 0.00209.
gnomAD v4.1: 249 of 152,824 alleles (0.16%); highest among the groups gnomAD compares: Middle Eastern, 0.68%; 1 homozygote.

Submission:

Illumina Laboratory Services, Illumina
Classification: Likely benign for Mendelian susceptibility to mycobacterial diseases due to complete IL12B deficiency. Last evaluated: 2018-01-12. Review status: criteria provided, single submitter. Criteria: ICSL Variant Classification Criteria 13 December 2019. Collection method: clinical testing. Allele origin: germline.
Comment: This variant was observed in the ICSL laboratory as part of a predisposition screen in an ostensibly healthy population. It had not been previously curated by ICSL or reported in the Human Gene Mutation Database (HGMD: prior to June 1st, 2018), and was therefore a candidate for classification through an automated scoring system. Utilizing variant allele frequency, disease prevalence and penetrance estimates, and inheritance mode, an automated score was calculated to assess if this variant is too frequent to cause the disease. Based on the score and internal cut-off values, a variant classified as likely benign is not then subjected to further curation. The score for this variant resulted in a classification of likely benign for this disease.